The following is an entry in ClinVar:

NM_000264.5(PTCH1):c.4142T>C (p.Val1381Ala)

Gene: PTCH1 (patched 1; minus strand). Cytogenetic location: 9q22.32.
Variant type: single nucleotide variant.
Coding change: c.4142T>C on transcript NM_000264.5 (MANE Select); coding-DNA position 4142, T replaced by C.
Protein change: p.Val1381Ala; replaces valine 1381 with alanine.
Molecular consequence: missense variant. On other transcripts: non-coding transcript variant (1).
Genome position (GRCh38, 1-based): chr9:95,447,114, A>G on the plus strand (T>C on the coding strand, the complement: PTCH1 is on the minus strand). VCF-style: chr9-95447114-A-G. GRCh37 (hg19) VCF-style: chr9-98209396-A-G.
Other names: c.3944T>C, p.Val1315Ala (NM_001083602.3); c.4139T>C, p.Val1380Ala (NM_001083603.3); c.3689T>C, p.Val1230Ala (NM_001083604.3, NM_001083605.3, NM_001083606.3 and 1 more transcripts); c.3986T>C, p.Val1329Ala (NM_001354918.2); short protein forms V1329A, V1380A, V1381A, V1230A, V1315A.
Identifiers: ClinVar variation 2626228 (VCV002626228.26), dbSNP rs2136575254, ClinGen allele CA374110238.

ClinVar aggregate classification (germline): Uncertain significance. Review status: criteria provided, multiple submitters, no conflicts (2 of 4 stars). 2 submissions from 2 submitters: Uncertain significance (2). Last evaluated 2023-07-12.

Conditions:
Hereditary cancer-predisposing syndrome. Also called: Neoplastic Syndromes, Hereditary; Tumor predisposition; Hereditary Cancer Syndrome; Hereditary neoplastic syndrome. Identifiers: Orphanet 140162, MedGen C0027672, MeSH D009386, MONDO:0015356.

gnomAD v4.1: 1 of 1,613,452 alleles (0.000062%); no homozygotes.

Submissions (2):

Ambry Genetics
Classification: Uncertain significance for Hereditary cancer-predisposing syndrome. Last evaluated: 2023-07-12. Review status: criteria provided, single submitter. Criteria: Ambry Variant Classification Scheme 2023. Collection method: clinical testing. Allele origin: germline.
Comment: The p.V1381A variant (also known as c.4142T>C), located in coding exon 23 of the PTCH1 gene, results from a T to C substitution at nucleotide position 4142. The valine at codon 1381 is replaced by alanine, an amino acid with similar properties. This amino acid position is conserved. In addition, this alteration is predicted to be deleterious by in silico analysis. Since supporting evidence is limited at this time, the clinical significance of this alteration remains unclear.

CeGaT Center for Human Genetics Tuebingen
Classification: Uncertain significance. Last evaluated: 2023-02-01. Review status: criteria provided, single submitter. Criteria: CeGaT Center For Human Genetics Tuebingen Variant Classification Criteria Version 2. Collection method: clinical testing. Allele origin: germline. Affected: yes. Observed: 1 variant allele.
Comment: PTCH1: PM2